The following is an entry in ClinVar:

ClinVar aggregate classification (germline): Uncertain significance (1 of 4 stars; one submission).

Conditions:
Primary ciliary dyskinesia. Also called: Ciliary dyskinesia. Identifiers: Orphanet 244, MedGen C0008780, MONDO:0016575, HP:0012265.

Submission:

Labcorp Genetics (formerly Invitae), Labcorp
Classification: Uncertain significance for Primary ciliary dyskinesia. Last evaluated: 2022-02-28. Review status: criteria provided, single submitter. Criteria: Invitae Variant Classification Sherloc (09022015). Collection method: clinical testing. Allele origin: germline.
Comment: This sequence change falls in intron 41 of the DNAH11 gene. It does not directly change the encoded amino acid sequence of the DNAH11 protein. It affects a nucleotide within the consensus splice site. This variant is not present in population databases (gnomAD no frequency). This variant has not been reported in the literature in individuals affected with DNAH11-related conditions. Variants that disrupt the consensus splice site are a relatively common cause of aberrant splicing (PMID: 17576681, 9536098). Algorithms developed to predict the effect of sequence changes on RNA splicing suggest that this variant is not likely to affect RNA splicing. In summary, the available evidence is currently insufficient to determine the role of this variant in disease. Therefore, it has been classified as a Variant of Uncertain Significance.

Literature cited by the submitters: PubMed 17576681; PubMed 9536098.

NM_001277115.2(DNAH11):c.6834+3G>A

Gene: DNAH11 (dynein axonemal heavy chain 11; plus strand). Cytogenetic location: 7p15.3.
Variant type: single nucleotide variant.
Coding change: c.6834+3G>A on transcript NM_001277115.2 (MANE Select); 3 bases into the intron after coding-DNA position 6834, G replaced by A.
Molecular consequence: intron variant.
Genome position (GRCh38, 1-based): chr7:21,710,706, G>A. VCF-style: chr7-21710706-G-A. GRCh37 (hg19) VCF-style: chr7-21750324-G-A.
Identifiers: ClinVar variation 1936570 (VCV001936570.2), dbSNP rs2534986827, ClinGen allele CA2578843099.